The following is an entry in ClinVar:

NM_014822.4(SEC24D):c.153C>T (p.Thr51=)

Gene: SEC24D (SEC24 homolog D, COPII component; minus strand). Cytogenetic location: 4q26.
Variant type: single nucleotide variant.
Coding change: c.153C>T on transcript NM_014822.4 (MANE Select); coding-DNA position 153, C replaced by T.
Protein change: p.Thr51=; no amino-acid change (threonine 51 retained).
Molecular consequence: synonymous variant.
Genome position (GRCh38, 1-based): chr4:118,824,715, G>A on the plus strand (C>T on the coding strand, the complement: SEC24D is on the minus strand). VCF-style: chr4-118824715-G-A. GRCh37 (hg19) VCF-style: chr4-119745870-G-A.
Other names: c.153C>T, p.Thr51= (NM_001318066.2).
Identifiers: ClinVar variation 2655052 (VCV002655052.27), dbSNP rs141446866, ClinGen allele CA3057618.

ClinVar aggregate classification (germline): Likely benign. Review status: criteria provided, multiple submitters, no conflicts (2 of 4 stars). 2 submissions from 2 submitters: Likely benign (2). Last evaluated 2024-05-28.

Allele frequency attached by ClinVar (database versions not stated): gnomAD 0.00006; ESP Exome Variant Server 0.00015.
gnomAD v4.1: 29 of 1,606,098 alleles (0.0018%); highest among the groups gnomAD compares: African/African-American, 0.03%; no homozygotes.

Submissions (2):

Labcorp Genetics (formerly Invitae), Labcorp
Classification: Likely benign. Last evaluated: 2024-05-28. Review status: criteria provided, single submitter. Criteria: Invitae Variant Classification Sherloc (09022015). Collection method: clinical testing. Allele origin: germline.

CeGaT Center for Human Genetics Tuebingen
Classification: Likely benign. Last evaluated: 2023-04-01. Review status: criteria provided, single submitter. Criteria: CeGaT Center For Human Genetics Tuebingen Variant Classification Criteria Version 2. Collection method: clinical testing. Allele origin: germline. Affected: yes. Observed: 1 variant allele.
Comment: SEC24D: BP4, BP7